The following is an entry in ClinVar:

NM_000553.6(WRN):c.1516A>G (p.Lys506Glu)

Gene: WRN (WRN RecQ like helicase; plus strand). Cytogenetic location: 8p12.
Variant type: single nucleotide variant.
Coding change: c.1516A>G on transcript NM_000553.6 (MANE Select); coding-DNA position 1516, A replaced by G.
Protein change: p.Lys506Glu; replaces lysine 506 with glutamic acid.
Molecular consequence: missense variant.
Genome position (GRCh38, 1-based): chr8:31,087,860, A>G. VCF-style: chr8-31087860-A-G. GRCh37 (hg19) VCF-style: chr8-30945376-A-G.
Other names: short protein forms K506E.
Identifiers: ClinVar variation 854392 (VCV000854392.2), dbSNP rs1813594156, ClinGen allele CA370924539.

ClinVar aggregate classification (germline): Uncertain significance (1 of 4 stars; one submission).

Conditions:
Werner syndrome (WRN). Identifiers: Orphanet 902, MedGen C0043119, MONDO:0010196, OMIM 277700.

Allele frequency attached by ClinVar (database versions not stated): gnomAD exomes 0.00001.
gnomAD v4.1: 11 of 1,613,352 alleles (0.00068%); highest among the groups gnomAD compares: Non-Finnish European, 0.00093%; no homozygotes.

Submission:

Labcorp Genetics (formerly Invitae), Labcorp
Classification: Uncertain significance for Werner syndrome. Last evaluated: 2019-12-23. Review status: criteria provided, single submitter. Criteria: Invitae Variant Classification Sherloc (09022015). Collection method: clinical testing. Allele origin: germline.
Comment: This sequence change replaces lysine with glutamic acid at codon 506 of the WRN protein (p.Lys506Glu). The lysine residue is weakly conserved and there is a small physicochemical difference between lysine and glutamic acid. This variant is not present in population databases (ExAC no frequency). This variant has not been reported in the literature in individuals with WRN-related conditions. Algorithms developed to predict the effect of missense changes on protein structure and function are either unavailable or do not agree on the potential impact of this missense change (SIFT: Not Available; PolyPhen-2: Benign; Align-GVGD: Not Available). In summary, the available evidence is currently insufficient to determine the role of this variant in disease. Therefore, it has been classified as a Variant of Uncertain Significance.